The following is an entry in ClinVar:

NM_001035.3(RYR2):c.11585C>T (p.Thr3862Ile)

Gene: RYR2 (ryanodine receptor 2; plus strand). Cytogenetic location: 1q43.
Variant type: single nucleotide variant.
Coding change: c.11585C>T on transcript NM_001035.3 (MANE Select); coding-DNA position 11585, C replaced by T.
Protein change: p.Thr3862Ile; replaces threonine 3862 with isoleucine.
Molecular consequence: missense variant.
Genome position (GRCh38, 1-based): chr1:237,772,039, C>T. VCF-style: chr1-237772039-C-T. GRCh37 (hg19) VCF-style: chr1-237935339-C-T.
Other names: short protein forms T3862I.
Identifiers: ClinVar variation 3070410 (VCV003070410.1), dbSNP rs2527612248, ClinGen allele CA345407056.
Genomic context (GRCh38, chr1:237,772,039, plus strand): 5'-CAAGCATTAATAACATTTTTTTATCTTGCATAGATTTTCAGAATTATCTGAGAACTCAGA[C>T]TGGCAATAATACAACTGTCAACATAATTATCTCCACTGTAGACTACCTACTGAGAGTTCA-3'
Protein context (NP_001026.2, residues 3852-3872): SDFQNYLRTQ[Thr3862Ile]GNNTTVNIII

ClinVar aggregate classification (germline): Uncertain significance (1 of 4 stars; one submission).

Conditions:
Catecholaminergic polymorphic ventricular tachycardia (CVPT). Also called: Catecholamine-induced polymorphic ventricular tachycardia. Identifiers: Orphanet 3286, MedGen C5574922, MONDO:0017990.

Allele frequency attached by ClinVar (database versions not stated): gnomAD exomes below 0.00001.
gnomAD v4.1: 1 of 1,547,488 alleles (0.000065%); highest among the groups gnomAD compares: Non-Finnish European, 0.000088%; no homozygotes.

Submission:

All of Us Research Program, National Institutes of Health
Classification: Uncertain significance for Catecholaminergic polymorphic ventricular tachycardia. Last evaluated: 2023-04-10. Review status: criteria provided, single submitter. Criteria: ACMG Guidelines, 2015. Collection method: clinical testing. Allele origin: germline. Inheritance: Autosomal dominant inheritance. Observed: 1 variant allele, 1 heterozygote.
Comment: This missense variant replaces threonine with isoleucine at codon 3862 of the RYR2 protein. Computational prediction suggests that this variant may have deleterious impact on protein structure and function (internally defined REVEL score threshold >= 0.7, PMID: 27666373). To our knowledge, functional studies have not been reported for this variant. This variant has not been reported in individuals affected with RYR2-related disorders in the literature. This variant has not been identified in the general population by the Genome Aggregation Database (gnomAD). The available evidence is insufficient to determine the role of this variant in disease conclusively. Therefore, this variant is classified as a Variant of Uncertain Significance.

This study involves interpretation of variants in research participants for the purpose of population health screening. Participant phenotype was not available at the time of variant classification. Additional details can be found in publication PMID: 35346344, PMCID: PMC8962531